The following is an entry in ClinVar:

ClinVar aggregate classification (germline): Uncertain significance (1 of 4 stars; one submission).

Submission:

Labcorp Genetics (formerly Invitae), Labcorp
Classification: Uncertain significance. Last evaluated: 2026-01-11. Review status: criteria provided, single submitter. Criteria: Invitae Variant Classification Sherloc (09022015). Collection method: clinical testing. Allele origin: germline.
Comment: This sequence change replaces phenylalanine, which is neutral and non-polar, with isoleucine, which is neutral and non-polar, at codon 114 of the EPHB4 protein (p.Phe114Ile). This variant is not present in population databases (gnomAD no frequency). This variant has not been reported in the literature in individuals affected with EPHB4-related conditions. Invitae Evidence Modeling of protein sequence and biophysical properties (such as structural, functional, and spatial information, amino acid conservation, physicochemical variation, residue mobility, and thermodynamic stability) indicates that this missense variant is expected to disrupt EPHB4 protein function with a positive predictive value of 95%. In summary, the available evidence is currently insufficient to determine the role of this variant in disease. Therefore, it has been classified as a Variant of Uncertain Significance.

NM_004444.5(EPHB4):c.340T>A (p.Phe114Ile)

Gene: EPHB4 (EPH receptor B4; minus strand). Cytogenetic location: 7q22.1.
Variant type: single nucleotide variant.
Coding change: c.340T>A on transcript NM_004444.5 (MANE Select); coding-DNA position 340, T replaced by A.
Protein change: p.Phe114Ile; replaces phenylalanine 114 with isoleucine.
Molecular consequence: missense variant.
Genome position (GRCh38, 1-based): chr7:100,823,715, A>T on the plus strand (T>A on the coding strand, the complement: EPHB4 is on the minus strand). VCF-style: chr7-100823715-A-T. GRCh37 (hg19) VCF-style: chr7-100421337-A-T.
Other names: short protein forms F114I.
Identifiers: ClinVar variation 4805672 (VCV004805672.1).